The following is an entry in ClinVar:

ClinVar aggregate classification (germline): Likely benign. Review status: reviewed by expert panel (3 of 4 stars). 18 submissions from 18 submitters: Likely benign (1). 17 of the submissions do not count toward it. Last evaluated 2017-06-29.

Conditions:
Breast-ovarian cancer, familial, susceptibility to, 1 (BROVCA1). Also called: BRCA1 Hereditary Breast and Ovarian Cancer; OVARIAN CANCER, SUSCEPTIBILITY TO. Identifiers: Orphanet 145, MedGen C2676676, MONDO:0011450, OMIM 604370. Disease mechanism: loss of function.
Malignant tumor of breast. Also called: Cancer breast; Malignant breast neoplasm. Identifiers: MedGen C0006142, MONDO:0007254. Disease mechanism: loss of function.
BRCA1-related disorder. Also called: BRCA1-related condition.
Hereditary cancer-predisposing syndrome. Also called: Hereditary Cancer Syndrome; Hereditary neoplastic syndrome; Neoplastic Syndromes, Hereditary; Tumor predisposition. Identifiers: Orphanet 140162, MedGen C0027672, MeSH D009386, MONDO:0015356.
Hereditary breast ovarian cancer syndrome. Also called: BRCA1- and BRCA2-Associated Hereditary Breast and Ovarian Cancer; Hereditary breast and ovarian cancer syndrome; Hereditary breast and ovarian cancer syndrome (HBOC); Breast and ovarian cancer; Hereditary breast and/or ovarian cancer syndrome; Hereditary breast and ovarian cancer. Identifiers: Orphanet 145, MedGen C0677776, MeSH D061325, MONDO:0003582. Disease mechanism: loss of function.

Allele frequency attached by ClinVar (database versions not stated): TOPMed 0.00003; gnomAD 0.00002; gnomAD exomes 0.00003 and 0.00006; ESP Exome Variant Server 0.00023; ExAC 0.00003.
gnomAD v4.1: 82 of 1,614,090 alleles (0.0051%); highest among the groups gnomAD compares: Non-Finnish European, 0.0068%; no homozygotes.

Submissions (18):

Evidence-based Network for the Interpretation of Germline Mutant Alleles (ENIGMA)
Classification: Likely benign for Breast-ovarian cancer, familial, susceptibility to, 1. Last evaluated: 2017-06-29. Review status: reviewed by expert panel. Criteria: ENIGMA BRCA1/2 Classification Criteria (2017-06-29). Collection method: curation. Allele origin: germline.
Comment: Synonymous substitution variant, with low bioinformatic likelihood to result in a splicing aberration (Splicing prior probability 0.02).

Labcorp Genetics (formerly Invitae), Labcorp
Classification: Likely benign for Hereditary breast ovarian cancer syndrome. Last evaluated: 2026-01-19. Review status: criteria provided, single submitter. Criteria: Invitae Variant Classification Sherloc (09022015). Collection method: clinical testing. Allele origin: germline. Not counted in ClinVar's aggregate classification.

Center for Genomic Medicine, Rigshospitalet, Copenhagen University Hospital
Classification: Likely benign. Last evaluated: 2025-03-04. Review status: criteria provided, single submitter. Criteria: ACMG Guidelines, 2015. Collection method: clinical testing. Allele origin: germline. Not counted in ClinVar's aggregate classification.

ARUP Laboratories, Molecular Genetics and Genomics, ARUP Laboratories
Classification: Likely benign. Last evaluated: 2024-08-19. Review status: criteria provided, single submitter. Criteria: ARUP Molecular Germline Variant Investigation Process 2024. Collection method: clinical testing. Allele origin: germline. Not counted in ClinVar's aggregate classification.

Blueprint Genetics
Classification: Likely benign. Last evaluated: 2023-11-28. Review status: criteria provided, single submitter. Criteria: ACMG Guidelines, 2015. Collection method: clinical testing. Allele origin: germline. Not counted in ClinVar's aggregate classification.

All of Us Research Program, National Institutes of Health
Classification: Likely benign for Breast-ovarian cancer, familial, susceptibility to, 1. Last evaluated: 2023-11-20. Review status: criteria provided, single submitter. Criteria: ACMG Guidelines, 2015. Collection method: clinical testing. Allele origin: germline. Inheritance: Autosomal dominant inheritance. Observed: 6 variant alleles, 6 heterozygotes. Not counted in ClinVar's aggregate classification.
Comment: This study involves interpretation of variants in research participants for the purpose of population health screening. Participant phenotype was not available at the time of variant classification. Additional details can be found in publication PMID: 35346344, PMCID: PMC8962531

Quest Diagnostics Nichols Institute San Juan Capistrano
Classification: Likely benign. Last evaluated: 2023-09-20. Review status: criteria provided, single submitter. Criteria: Quest Diagnostics criteria. Collection method: clinical testing. Allele origin: unknown. Not counted in ClinVar's aggregate classification.

Sema4
Classification: Likely benign for Hereditary cancer-predisposing syndrome. Last evaluated: 2021-10-11. Review status: criteria provided, single submitter. Criteria: Sema4 Curation Guidelines. Collection method: curation. Allele origin: germline. Not counted in ClinVar's aggregate classification.

GeneDx
Classification: Likely benign. Last evaluated: 2020-05-18. Review status: criteria provided, single submitter. Criteria: GeneDx Variant Classification Process June 2021. Collection method: clinical testing. Allele origin: germline. Affected: yes. Not counted in ClinVar's aggregate classification.
Comment: This variant is associated with the following publications: (PMID: 12955716, 10686936, 16267036, 25980754)

Women's Health and Genetics/Laboratory Corporation of America, LabCorp
Classification: Likely benign. Last evaluated: 2019-07-25. Review status: criteria provided, single submitter. Criteria: LabCorp Variant Classification Summary - May 2015. Collection method: clinical testing. Allele origin: germline. Not counted in ClinVar's aggregate classification.

Illumina Laboratory Services, Illumina
Classification: Uncertain significance for Breast-ovarian cancer, familial, susceptibility to, 1. Last evaluated: 2018-01-12. Review status: criteria provided, single submitter. Criteria: ICSL Variant Classification Criteria 13 December 2019. Collection method: clinical testing. Allele origin: germline. Not counted in ClinVar's aggregate classification.

Color Diagnostics, LLC DBA Color Health
Classification: Likely benign for Hereditary cancer-predisposing syndrome. Last evaluated: 2015-08-03. Review status: criteria provided, single submitter. Criteria: ACMG Guidelines, 2015. Collection method: clinical testing. Allele origin: germline. Not counted in ClinVar's aggregate classification.

Ambry Genetics
Classification: Likely benign for Hereditary cancer-predisposing syndrome. Last evaluated: 2014-11-20. Review status: criteria provided, single submitter. Criteria: Ambry Variant Classification Scheme 2023. Collection method: clinical testing. Allele origin: germline. Not counted in ClinVar's aggregate classification.

Breakthrough Genomics
Classification: Likely benign. Review status: criteria provided, single submitter. Criteria: ACMG Guidelines, 2015. Collection method: not provided. Allele origin: germline. Inheritance: Autosomal dominant inheritance. Affected: yes. Not counted in ClinVar's aggregate classification.

PreventionGenetics, part of Exact Sciences
Classification: Likely benign for BRCA1-related condition. Last evaluated: 2019-07-30. Review status: no assertion criteria provided. Collection method: clinical testing. Allele origin: germline. Not counted in ClinVar's aggregate classification.
Comment: This variant is classified as likely benign based on ACMG/AMP sequence variant interpretation guidelines (Richards et al. 2015 PMID: 25741868, with internal and published modifications).

Counsyl
Classification: Likely benign for Breast-ovarian cancer, familial, susceptibility to, 1. Last evaluated: 2018-01-30. Review status: no assertion criteria provided. Collection method: clinical testing. Allele origin: unknown. Not counted in ClinVar's aggregate classification.

Breast Cancer Information Core (BIC) (BRCA1)
Classification: Uncertain significance for Breast-ovarian cancer, familial 1. Last evaluated: 2000-01-01. Review status: no assertion criteria provided. Collection method: clinical testing. Allele origin: germline. Affected: yes. Observed: 3 variant alleles. Not counted in ClinVar's aggregate classification.

Department of Pathology and Laboratory Medicine, Sinai Health System
Classification: Likely benign for Malignant tumor of breast. Review status: no assertion criteria provided. Collection method: clinical testing. Allele origin: unknown. Affected: yes. Study: The Canadian Open Genetics Repository (COGR). Not counted in ClinVar's aggregate classification.
Comment: The BRCA1 p.Glu1415Glu variant was identified in 1 of 820 proband chromosomes (frequency: 0.001) from individuals or families with breast and ovarian cancer, and was not identified in 200 control chromosomes from healthy individuals; the authors call this variant a polymorphism (Diez 2003).The variant was also identified in dbSNP (ID: rs41293453) â€šÃ„ÃºWith Uncertain significance alleleâ€šÃ„Ã¹, NHLBI Exome Sequencing Project (Exome Variant Server), the ClinVar database (classified as an uncertain significance variant by the BIC), the BIC database (3X with unknown clinical importance), and UMD (1X as an unclassified variant).The variant was identified by the Exome Variant Server project in 3 of 13006 European American and African American alleles (frequency: 0.0002), although this low number of observations and low frequency is not substantive enough to determine the prevalence of the variant in the general population and its relationship to disease. The p.Glu1415Glu variant is not expected to have clinical significance because it does not result in a change of amino acid and is not located in a known consensus splice site. In addition, in silico or computational prediction software programs (SpliceSiteFinder, MaxEntScan, NNSPLICE, GeneSplicer, HumanSpliceFinder) do not predict a difference in splicing. In summary, based on the above information the clinical significance of this variant cannot be determined with certainty at this time although we would lean towards a more benign role for this variant. Thus, this variant is classified as predicted benign.

Literature cited by the submitters: PubMed 10508480 (cited by Quest Diagnostics Nichols Institute San Juan Capistrano and Women's Health and Genetics/Laboratory Corporation of America, LabCorp); PubMed 10686936 (cited by Quest Diagnostics Nichols Institute San Juan Capistrano and Women's Health and Genetics/Laboratory Corporation of America, LabCorp); PubMed 16267036 (cited by 3 submitters); PubMed 12955716 (cited by 3 submitters).

NM_007294.4(BRCA1):c.4245A>G (p.Glu1415=)

Gene: BRCA1 (BRCA1 DNA repair associated; minus strand). Cytogenetic location: 17q21.31.
Variant type: single nucleotide variant.
Coding change: c.4245A>G on transcript NM_007294.4 (MANE Select); coding-DNA position 4245, A replaced by G.
Protein change: p.Glu1415=; no amino-acid change (glutamic acid 1415 retained).
Molecular consequence: synonymous variant.
Genome position (GRCh38, 1-based): chr17:43,082,516, T>C on the plus strand (A>G on the coding strand, the complement: BRCA1 is on the minus strand). VCF-style: chr17-43082516-T-C. GRCh37 (hg19) VCF-style: chr17-41234533-T-C.
Other names: E1415E; c.4032A>G, p.Glu1344= (NM_001407571.1, NM_001407853.1, NM_001407894.1 and 12 more transcripts); c.4245A>G, p.Glu1415= (NM_001407581.1, NM_001407582.1, NM_001407583.1 and 23 more transcripts); c.4242A>G, p.Glu1414= (NM_001407587.1, NM_001407590.1, NM_001407591.1 and 21 more transcripts); c.4239A>G, p.Glu1413= (NM_001407627.1, NM_001407628.1, NM_001407629.1 and 5 more transcripts); c.4233A>G, p.Glu1411= (NM_001407646.1, NM_001407647.1); c.4122A>G, p.Glu1374= (NM_001407648.1, NM_001407664.1, NM_001407665.1 and 13 more transcripts); c.4119A>G, p.Glu1373= (NM_001407649.1, NM_001407670.1, NM_001407671.1 and 12 more transcripts); and 52 more.
Identifiers: ClinVar variation 55151 (VCV000055151.33), dbSNP rs41293453, ClinGen allele CA002728.